The following is an entry in ClinVar:

ClinVar aggregate classification (germline): Uncertain significance. Review status: criteria provided, multiple submitters, no conflicts (2 of 4 stars). 2 submissions from 2 submitters: Uncertain significance (2). Last evaluated 2026-01-20.

Conditions:
Hereditary cancer-predisposing syndrome. Also called: Tumor predisposition; Neoplastic Syndromes, Hereditary; Hereditary Cancer Syndrome; Hereditary neoplastic syndrome. Identifiers: Orphanet 140162, MedGen C0027672, MeSH D009386, MONDO:0015356.

Submissions (2):

Labcorp Genetics (formerly Invitae), Labcorp
Classification: Uncertain significance. Last evaluated: 2026-01-20. Review status: criteria provided, single submitter. Criteria: Invitae Variant Classification Sherloc (09022015). Collection method: clinical testing. Allele origin: germline.
Comment: This sequence change replaces phenylalanine, which is neutral and non-polar, with valine, which is neutral and non-polar, at codon 198 of the MSH3 protein (p.Phe198Val). This variant is not present in population databases (gnomAD no frequency). This variant has not been reported in the literature in individuals affected with MSH3-related conditions. ClinVar contains an entry for this variant (Variation ID: 3874953). An algorithm developed to predict the effect of missense changes on protein structure and function (PolyPhen-2) suggests that this variant is likely to be tolerated. In summary, the available evidence is currently insufficient to determine the role of this variant in disease. Therefore, it has been classified as a Variant of Uncertain Significance.

Ambry Genetics
Classification: Uncertain significance for Hereditary cancer-predisposing syndrome. Last evaluated: 2024-12-17. Review status: criteria provided, single submitter. Criteria: Ambry Variant Classification Scheme 2023. Collection method: clinical testing. Allele origin: germline.
Comment: The p.F198V variant (also known as c.592T>G), located in coding exon 4 of the MSH3 gene, results from a T to G substitution at nucleotide position 592. The phenylalanine at codon 198 is replaced by valine, an amino acid with highly similar properties. This amino acid position is conserved. In addition, this alteration is predicted to be tolerated by in silico analysis. Based on the available evidence, the clinical significance of this variant remains unclear.

NM_002439.5(MSH3):c.592T>G (p.Phe198Val)

Gene: MSH3 (mutS homolog 3; plus strand). Cytogenetic location: 5q14.1.
Variant type: single nucleotide variant.
Coding change: c.592T>G on transcript NM_002439.5 (MANE Select); coding-DNA position 592, T replaced by G.
Protein change: p.Phe198Val; replaces phenylalanine 198 with valine.
Molecular consequence: missense variant.
Genome position (GRCh38, 1-based): chr5:80,670,109, T>G. VCF-style: chr5-80670109-T-G. GRCh37 (hg19) VCF-style: chr5-79965928-T-G.
Other names: short protein forms F198V.
Identifiers: ClinVar variation 3874953 (VCV003874953.2).
Genomic context (GRCh38, chr5:80,670,109, plus strand): 5'-TTATTGTGGTTAATATTTTTAAAACTTTATACATCTTTTGGTTGCCAGGACACAACACTT[T>G]TTGATCTCAGTCAGTTTGGATCATCAAATACAAGTCATGAAAATTTACAGAAAACTGCTT-3'
Protein context (NP_002430.3, residues 188-208): RQINQKDTTL[Phe198Val]DLSQFGSSNT